The following is an entry in ClinVar:

ClinVar aggregate classification (germline): Pathogenic (1 of 4 stars; one submission).

Conditions:
Gorlin syndrome. Also called: Basal cell nevus syndrome; Nevoid Basal Cell Carcinoma Syndrome. Identifiers: Orphanet 377, MedGen C0004779, MONDO:0007187.

Submission:

Labcorp Genetics (formerly Invitae), Labcorp
Classification: Pathogenic for Gorlin syndrome. Last evaluated: 2020-08-09. Review status: criteria provided, single submitter. Criteria: Invitae Variant Classification Sherloc (09022015). Collection method: clinical testing. Allele origin: germline.
Comment: This variant has been observed in a family affected with basal cell nevus syndrome (PMID: 30411536). For these reasons, this variant has been classified as Pathogenic. Loss-of-function variants in PTCH1 are known to be pathogenic (PMID: 16301862, 16419085). This variant is not present in population databases (ExAC no frequency). This sequence change creates a premature translational stop signal (p.Trp863*) in the PTCH1 gene. It is expected to result in an absent or disrupted protein product.

Literature cited by the submitters: PubMed 30411536; PubMed 16301862; PubMed 16419085.

NM_000264.5(PTCH1):c.2588G>A (p.Trp863Ter)

Gene: PTCH1 (patched 1; minus strand). Cytogenetic location: 9q22.32.
Variant type: single nucleotide variant.
Coding change: c.2588G>A on transcript NM_000264.5 (MANE Select); coding-DNA position 2588, G replaced by A.
Protein change: p.Trp863Ter; replaces tryptophan 863 with a stop codon.
Molecular consequence: nonsense. On other transcripts: non-coding transcript variant (1).
Genome position (GRCh38, 1-based): chr9:95,461,971, C>T on the plus strand (G>A on the coding strand, the complement: PTCH1 is on the minus strand). VCF-style: chr9-95461971-C-T. GRCh37 (hg19) VCF-style: chr9-98224253-C-T.
Other names: c.2390G>A, p.Trp797Ter (NM_001083602.3); c.2585G>A, p.Trp862Ter (NM_001083603.3); c.2135G>A, p.Trp712Ter (NM_001083604.3, NM_001083605.3, NM_001083606.3 and 1 more transcripts); c.2432G>A, p.Trp811Ter (NM_001354918.2); short protein forms W712*, W797*, W811*, W862*, W863*.
Identifiers: ClinVar variation 954253 (VCV000954253.10), dbSNP rs1839516520, ClinGen allele CA374113530.
Genomic context (GRCh38, chr9:95,461,971, plus strand): 5'-GCAAGGACTCCATCGTCTGATCCATTCTTGTAATTGTTTGGCATGATTTTCCCGGTTTCC[C>T]AGTCACTGTCAAATGCATCCTGAAGTCCTAGAAATGGCAAATGATTGTAACACATTATAA-3'